The following is an entry in ClinVar:

NM_000213.5(ITGB4):c.4616T>C (p.Leu1539Pro)

Genes: GALK1 (galactokinase 1; minus strand), ITGB4 (integrin subunit beta 4; plus strand). Cytogenetic location: 17q25.1.
Variant type: single nucleotide variant.
Coding change: c.4616T>C on transcript NM_000213.5 (MANE Select); coding-DNA position 4616, T replaced by C.
Protein change: p.Leu1539Pro; replaces leucine 1539 with proline.
Molecular consequence: missense variant. On other transcripts: intron variant (2).
Genome position (GRCh38, 1-based): chr17:75,755,758, T>C. VCF-style: chr17-75755758-T-C. GRCh37 (hg19) VCF-style: chr17-73751839-T-C.
Other names: c.4565T>C, p.Leu1522Pro (NM_001005619.2); c.4406T>C, p.Leu1469Pro (NM_001005731.3, NM_001321123.2); c.4349-671T>C (NM_001438834.1); c.*22+2276A>G (NM_001381985.1); short protein forms L1469P, L1522P, L1539P.
Identifiers: ClinVar variation 3008357 (VCV003008357.4), dbSNP rs929000857, ClinGen allele CA294084754.

ClinVar aggregate classification (germline): Uncertain significance. Review status: criteria provided, multiple submitters, no conflicts (2 of 4 stars). 2 submissions from 2 submitters: Uncertain significance (2). Last evaluated 2024-02-07.

Conditions:
Epidermolysis bullosa, junctional 5A, intermediate. Also called: EPIDERMOLYSIS BULLOSA, JUNCTIONAL 5A, GENERALIZED INTERMEDIATE; EPIDERMOLYSIS BULLOSA, JUNCTIONAL 5A, NON-HERLITZ TYPE. Identifiers: MedGen C5676956, MONDO:0030768, OMIM 619816.
Junctional epidermolysis bullosa with pyloric atresia. Also called: Epidermolysis bullosa, junctional, with pyloric atresia and aplasia cutis congenita; Epidermolysis bullosa junctionalis with pyloric atresia; EPIDERMOLYSIS BULLOSA, JUNCTIONAL 5B, WITH PYLORIC ATRESIA; EB-PA-ACC; APLASIA CUTIS CONGENITA WITH GASTROINTESTINAL ATRESIA; CARMI SYNDROME. Identifiers: Orphanet 79403, MedGen C5676875, MONDO:0009183, OMIM 226730.

Allele frequency attached by ClinVar (database versions not stated): gnomAD 0.00001; TOPMed 0.00001.
gnomAD v4.1: 4 of 1,612,730 alleles (0.00025%); highest among the groups gnomAD compares: Non-Finnish European, 0.00034%; no homozygotes.

Submissions (2):

Fulgent Genetics
Classification: Uncertain significance for Junctional epidermolysis bullosa with pyloric atresia; Epidermolysis bullosa, junctional 5A, intermediate. Last evaluated: 2024-02-07. Review status: criteria provided, single submitter. Criteria: ACMG Guidelines, 2015. Collection method: clinical testing. Allele origin: germline.

Labcorp Genetics (formerly Invitae), Labcorp
Classification: Uncertain significance. Last evaluated: 2023-09-29. Review status: criteria provided, single submitter. Criteria: Invitae Variant Classification Sherloc (09022015). Collection method: clinical testing. Allele origin: germline.
Comment: In summary, the available evidence is currently insufficient to determine the role of this variant in disease. Therefore, it has been classified as a Variant of Uncertain Significance. An algorithm developed to predict the effect of missense changes on protein structure and function (PolyPhen-2) suggests that this variant is likely to be disruptive. This variant has not been reported in the literature in individuals affected with ITGB4-related conditions. This variant is not present in population databases (gnomAD no frequency). This sequence change replaces leucine, which is neutral and non-polar, with proline, which is neutral and non-polar, at codon 1469 of the ITGB4 protein (p.Leu1469Pro).